The following is an entry in ClinVar:

ClinVar aggregate classification (germline): Likely benign. Review status: criteria provided, multiple submitters, no conflicts (2 of 4 stars). 2 submissions from 2 submitters: Likely benign (2). Last evaluated 2025-03-23.

Conditions:
Growth hormone insensitivity with immune dysregulation 1, autosomal recessive. Also called: GROWTH HORMONE INSENSITIVITY SYNDROME WITH IMMUNE DYSREGULATION 1, AUTOSOMAL RECESSIVE; Laron syndrome with immunodeficiency; GROWTH HORMONE INSENSITIVITY DUE TO POSTRECEPTOR DEFECT; LARON SYNDROME DUE TO POSTRECEPTOR DEFECT. Identifiers: Orphanet 220465, MedGen C5435698, MONDO:0100211, OMIM 245590.

Allele frequency attached by ClinVar (database versions not stated): ExAC 0.00001; gnomAD 0.00001; gnomAD exomes 0.00001.
gnomAD v4.1: 15 of 1,613,790 alleles (0.00093%); highest among the groups gnomAD compares: East Asian, 0.0089%; no homozygotes.

Submissions (2):

Labcorp Genetics (formerly Invitae), Labcorp
Classification: Likely benign for Growth hormone insensitivity with immune dysregulation 1, autosomal recessive. Last evaluated: 2025-03-23. Review status: criteria provided, single submitter. Criteria: Invitae Variant Classification Sherloc (09022015). Collection method: clinical testing. Allele origin: germline.

CeGaT Center for Human Genetics Tuebingen
Classification: Likely benign. Last evaluated: 2024-12-01. Review status: criteria provided, single submitter. Criteria: CeGaT Center For Human Genetics Tuebingen Variant Classification Criteria Version 2. Collection method: clinical testing. Allele origin: germline. Affected: yes. Observed: 1 variant allele.
Comment: STAT5B: BP4, BP7

NM_012448.4(STAT5B):c.2259C>T (p.Thr753=)

Gene: STAT5B (signal transducer and activator of transcription 5B; minus strand). Cytogenetic location: 17q21.2.
Variant type: single nucleotide variant.
Coding change: c.2259C>T on transcript NM_012448.4 (MANE Select); coding-DNA position 2259, C replaced by T.
Protein change: p.Thr753=; no amino-acid change (threonine 753 retained).
Molecular consequence: synonymous variant.
Genome position (GRCh38, 1-based): chr17:42,201,843, G>A on the plus strand (C>T on the coding strand, the complement: STAT5B is on the minus strand). VCF-style: chr17-42201843-G-A. GRCh37 (hg19) VCF-style: chr17-40353861-G-A.
Identifiers: ClinVar variation 1106098 (VCV001106098.22), dbSNP rs776893445, ClinGen allele CA8573811.